The following is an entry in ClinVar:

ClinVar aggregate classification (germline): Uncertain significance (1 of 4 stars; one submission).

Conditions:
Cardiovascular phenotype. Identifiers: MedGen CN230736.

Allele frequency attached by ClinVar (database versions not stated): TOPMed 0.00001; gnomAD 0.00002; ExAC 0.00008.
gnomAD v4.1: 70 of 1,612,412 alleles (0.0043%); highest among the groups gnomAD compares: South Asian, 0.034%; 1 homozygote.

Submission:

Ambry Genetics
Classification: Uncertain significance for Cardiovascular phenotype. Last evaluated: 2022-06-30. Review status: criteria provided, single submitter. Criteria: Ambry Variant Classification Scheme 2023. Collection method: clinical testing. Allele origin: germline.
Comment: The p.A326T variant (also known as c.976G>A), located in coding exon 7 of the LMF1 gene, results from a G to A substitution at nucleotide position 976. The alanine at codon 326 is replaced by threonine, an amino acid with similar properties. This alteration has been reported in a hypertriglyceridemia cohort in one case and one control (Johansen CT et al. Circ Cardiovasc Genet, 2012 Feb;5:66-72). This amino acid position is well conserved in available vertebrate species. In addition, this alteration is predicted to be tolerated by in silico analysis. Since supporting evidence is limited at this time, the clinical significance of this alteration remains unclear.

Literature cited by the submitters: PubMed 22135386.

NM_022773.4(LMF1):c.976G>A (p.Ala326Thr)

Gene: LMF1 (lipase maturation factor 1; minus strand). Cytogenetic location: 16p13.3.
Variant type: single nucleotide variant.
Coding change: c.976G>A on transcript NM_022773.4 (MANE Select); coding-DNA position 976, G replaced by A.
Protein change: p.Ala326Thr; replaces alanine 326 with threonine.
Molecular consequence: missense variant. On other transcripts: non-coding transcript variant (1).
Genome position (GRCh38, 1-based): chr16:871,263, C>T on the plus strand (G>A on the coding strand, the complement: LMF1 is on the minus strand). VCF-style: chr16-871263-C-T. GRCh37 (hg19) VCF-style: chr16-921263-C-T.
Other names: c.325G>A, p.Ala109Thr (NM_001352017.2, NM_001352021.2); c.577G>A, p.Ala193Thr (NM_001352018.2); c.649G>A, p.Ala217Thr (NM_001352019.2); c.976G>A, p.Ala326Thr (NM_001352020.1); short protein forms A193T, A109T, A217T, A326T.
Identifiers: ClinVar variation 1768140 (VCV001768140.2), dbSNP rs769766473, ClinGen allele CA7797254.
Genomic context (GRCh38, chr16:871,263, plus strand): 5'-TCTGCAGAACTCGGTCCTTCAGGCTGCCTGGCCCAGAGGGGAACAAGAATCCCAGGGTGG[C>T]GTCATCAAAGCAGGCCAGGCTGGGCACCATAGTCAGCCAGTTCAGGAAGCTGAGGTTCCC-3'
Protein context (NP_073610.2, residues 316-336): MVPSLACFDD[Ala326Thr]TLGFLFPSGP